The following is an entry in ClinVar:

ClinVar aggregate classification (germline): Benign/Likely benign. Review status: criteria provided, multiple submitters, no conflicts (2 of 4 stars). 11 submissions from 9 submitters: Benign (7); Likely benign (1). 3 of the submissions do not count toward it. Last evaluated 2026-02-04.

Conditions:
Arterial calcification, generalized, of infancy, 2. Identifiers: Orphanet 51608, MedGen C3276161, MONDO:0013768, OMIM 614473.
Pseudoxanthoma elasticum, forme fruste. Also called: Pseudoxanthoma Elasticum, Incomplete; PSEUDOXANTHOMA ELASTICUM, HETEROZYGOUS. Identifiers: Orphanet 758, MedGen C1867450, MONDO:0008333, OMIM 177850.
Autosomal recessive inherited pseudoxanthoma elasticum (PXE). Identifiers: Orphanet 758, MedGen CN032334, MONDO:0009925, OMIM 264800.

Allele frequency attached by ClinVar (database versions not stated): gnomAD exomes 0.01633; ExAC 0.01803; 1000 Genomes Project 0.02296; 1000 Genomes Project 30x 0.02483; gnomAD 0.02488 and 0.02503; ESP Exome Variant Server 0.02609; TOPMed 0.02675.
gnomAD v4.1: 27,469 of 1,614,148 alleles (1.7%); highest among the groups gnomAD compares: African/African-American, 5.5%; 420 homozygotes.

Submissions (11):

Labcorp Genetics (formerly Invitae), Labcorp
Classification: Benign. Last evaluated: 2026-02-04. Review status: criteria provided, single submitter. Criteria: Invitae Variant Classification Sherloc (09022015). Collection method: clinical testing. Allele origin: germline.

Blueprint Genetics
Classification: Likely benign. Last evaluated: 2024-11-27. Review status: criteria provided, single submitter. Criteria: ACMG Guidelines, 2015. Collection method: clinical testing. Allele origin: germline.

Mayo Clinic Laboratories, Mayo Clinic
Classification: Benign. Last evaluated: 2023-04-03. Review status: criteria provided, single submitter. Criteria: ACMG Guidelines, 2015. Collection method: clinical testing. Allele origin: germline. Observed: 2 variant alleles.

Genome-Nilou Lab
Classification: Benign for Arterial calcification, generalized, of infancy, 2. Last evaluated: 2021-12-05. Review status: criteria provided, single submitter. Criteria: ACMG Guidelines, 2015. Collection method: clinical testing. Allele origin: germline. Affected: no.

Genome-Nilou Lab
Classification: Benign for Autosomal recessive inherited pseudoxanthoma elasticum. Last evaluated: 2021-12-05. Review status: criteria provided, single submitter. Criteria: ACMG Guidelines, 2015. Collection method: clinical testing. Allele origin: germline. Affected: no.

Genome-Nilou Lab
Classification: Benign for Pseudoxanthoma elasticum, forme fruste. Last evaluated: 2021-12-05. Review status: criteria provided, single submitter. Criteria: ACMG Guidelines, 2015. Collection method: clinical testing. Allele origin: germline. Affected: no.

GeneDx
Classification: Benign. Last evaluated: 2019-02-08. Review status: criteria provided, single submitter. Criteria: GeneDx Variant Classification Process June 2021. Collection method: clinical testing. Allele origin: germline. Affected: yes.
Comment: This variant is associated with the following publications: (PMID: 16127278, 16086317, 15723264, 19339160)

Breakthrough Genomics
Classification: Benign. Review status: criteria provided, single submitter. Criteria: ACMG Guidelines, 2015. Collection method: not provided. Allele origin: germline. Inheritance: Autosomal recessive inheritance. Affected: yes.

PXE International
Classification: Benign for Autosomal recessive inherited pseudoxanthoma elasticum. Last evaluated: 2021-03-01. Review status: no assertion criteria provided. Collection method: research. Allele origin: germline. Inheritance: Autosomal recessive inheritance. Affected: yes. Not counted in ClinVar's aggregate classification.

Clinical Genetics, Academic Medical Center
Classification: Benign. Review status: no assertion criteria provided. Collection method: clinical testing. Allele origin: germline. Affected: yes. Study: VKGL Data-share Consensus. Not counted in ClinVar's aggregate classification.

Joint Genome Diagnostic Labs from Nijmegen and Maastricht, Radboudumc and MUMC+
Classification: Benign. Review status: no assertion criteria provided. Collection method: clinical testing. Allele origin: germline. Affected: yes. Study: VKGL Data-share Consensus. Not counted in ClinVar's aggregate classification.

Literature cited by the submitters: PubMed 16086317 (cited by PXE International).

NM_001171.6(ABCC6):c.2175A>T (p.Val725=)

Gene: ABCC6 (ATP binding cassette subfamily C member 6; minus strand). Cytogenetic location: 16p13.11.
Variant type: single nucleotide variant.
Coding change: c.2175A>T on transcript NM_001171.6 (MANE Select); coding-DNA position 2175, A replaced by T.
Protein change: p.Val725=; no amino-acid change (valine 725 retained).
Molecular consequence: synonymous variant. On other transcripts: non-coding transcript variant (1).
Genome position (GRCh38, 1-based): chr16:16,182,484, T>A on the plus strand (A>T on the coding strand, the complement: ABCC6 is on the minus strand). VCF-style: chr16-16182484-T-A. GRCh37 (hg19) VCF-style: chr16-16276341-T-A.
Other names: p.Val725=; c.1833A>T, p.Val611= (NM_001351800.1).
Identifiers: ClinVar variation 433262 (VCV000433262.20), dbSNP rs59757815, ClinGen allele CA7925995.